The following is an entry in ClinVar:

ClinVar aggregate classification (germline): Pathogenic/Likely pathogenic. Review status: criteria provided, multiple submitters, no conflicts (2 of 4 stars). 3 submissions from 3 submitters: Pathogenic (2); Likely pathogenic (1). Last evaluated 2024-03-07.

Conditions:
Severe combined immunodeficiency disease. Also called: Severe combined immunodeficiency; Severe Combined Immune Deficiency. Identifiers: Orphanet 183660, MedGen C0085110, MeSH D016511, MONDO:0015974, HP:0004430. Inheritance: X-Linked or Autosomal recessive.
Severe combined immunodeficiency due to DCLRE1C deficiency (RS-SCID). Also called: SCID, AUTOSOMAL RECESSIVE, T CELL-NEGATIVE, B CELL-NEGATIVE, NK CELL-POSITIVE, WITH SENSITIVITY TO IONIZING RADIATION. Identifiers: Orphanet 275, MedGen C1865371, MONDO:0011225, OMIM 602450.
Histiocytic medullary reticulosis. Also called: SEVERE COMBINED IMMUNODEFICIENCY WITH HYPEREOSINOPHILIA; Omenn syndrome. Identifiers: Orphanet 39041, MedGen C2700553, MONDO:0011338, OMIM 603554.

Submissions (3):

Fulgent Genetics
Classification: Pathogenic for Severe combined immunodeficiency due to DCLRE1C deficiency; Histiocytic medullary reticulosis. Last evaluated: 2024-03-07. Review status: criteria provided, single submitter. Criteria: ACMG Guidelines, 2015. Collection method: clinical testing. Allele origin: germline.

Women's Health and Genetics/Laboratory Corporation of America, LabCorp
Classification: Pathogenic for Severe combined immunodeficiency disease. Last evaluated: 2024-03-07. Review status: criteria provided, single submitter. Criteria: LabCorp Variant Classification Summary - May 2015. Collection method: clinical testing. Allele origin: germline.
Comment: Variant summary: DCLRE1C c.1238delC (p.Pro413LeufsX6) results in a premature termination codon, predicted to cause a truncation of the encoded protein or absence of the protein, which are commonly known mechanisms for disease. Variants downstream of this position have been classified pathogenic internally. The variant was absent in 250216 control chromosomes (gnomAD). To our knowledge, no occurrence of c.1238delC in individuals affected with Severe Combined Immunodeficiency and no experimental evidence demonstrating its impact on protein function have been reported. No submitters have cited clinical-significance assessments for this variant to ClinVar. Based on the evidence outlined above, the variant was classified as pathogenic.

Baylor Genetics
Classification: Likely pathogenic for Histiocytic medullary reticulosis. Last evaluated: 2023-10-12. Review status: criteria provided, single submitter. Criteria: ACMG Guidelines, 2015. Collection method: clinical testing. Allele origin: unknown.

NM_001033855.3(DCLRE1C):c.1238del (p.Pro413fs)

Gene: DCLRE1C (DNA cross-link repair 1C; minus strand). Cytogenetic location: 10p13.
Variant type: Deletion.
Coding change: c.1238del on transcript NM_001033855.3 (MANE Select); coding-DNA position 1238, one base deleted (C; older notation c.1238delC).
Protein change: p.Pro413fs; shifts the reading frame from proline 413.
Molecular consequence: frameshift variant. On other transcripts: non-coding transcript variant (4).
Genome position (GRCh38, 1-based): chr10:14,909,249, G deleted on the plus strand (C on the coding strand, the reverse complement: DCLRE1C is on the minus strand); the first of 3 consecutive G bases (chr10:14,909,249-14,909,251); deleting any one gives the same sequence. VCF-style (leftmost placement, unchanged base first): chr10-14909248-AG-A. GRCh37 (hg19) VCF-style: chr10-14951247-AG-A.
Other names: c.1238delC (NM_001033855.3); c.878del, p.Pro293fs (NM_001033857.3, NM_001033858.3, NM_001289077.2 and 2 more transcripts); c.893del, p.Pro298fs (NM_001289076.2, NM_001289078.2, NM_001350966.2 and 1 more transcripts); c.1238del, p.Pro413fs (NM_001350965.2); short protein forms P293fs, P298fs, P413fs.
Identifiers: ClinVar variation 2674744 (VCV002674744.4), dbSNP rs2491636150, ClinGen allele CA2695199457.